The following is an entry in ClinVar:

NM_001349884.2(DRAM2):c.601-1G>A

Gene: DRAM2 (DNA damage regulated autophagy modulator 2; minus strand). Cytogenetic location: 1p13.3.
Variant type: single nucleotide variant.
Coding change: c.601-1G>A on transcript NM_001349884.2 (MANE Select); the canonical splice acceptor site of the intron before coding-DNA position 601, G replaced by A.
Molecular consequence: splice acceptor variant.
Genome position (GRCh38, 1-based): chr1:111,118,898, C>T on the plus strand (G>A on the coding strand, the complement: DRAM2 is on the minus strand). VCF-style: chr1-111118898-C-T. GRCh37 (hg19) VCF-style: chr1-111661520-C-T.
Other names: c.601-1G>A (NM_001349885.2, NM_178454.6, NM_001349882.2 and 1 more transcripts); c.211-1G>A (NM_001349889.2, NM_001349890.2, NM_001349891.2 and 2 more transcripts); c.331-1G>A (NM_001349887.2, NM_001349886.2, NM_001349888.2).
Identifiers: ClinVar variation 2093364 (VCV002093364.5), dbSNP rs746500019, ClinGen allele CA1001775.

ClinVar aggregate classification (germline): Likely pathogenic. Review status: criteria provided, multiple submitters, no conflicts (2 of 4 stars). 2 submissions from 2 submitters: Likely pathogenic (2). Last evaluated 2022-11-21.

Conditions:
Cone-rod dystrophy 21. Also called: Retinal dystrophy with early macular involvement. Identifiers: Orphanet 1872, MedGen C4049066, MONDO:0014669, OMIM 616502, HP:0030635.

Allele frequency attached by ClinVar (database versions not stated): gnomAD exomes below 0.00001; ExAC 0.00001.
gnomAD v4.1: 1 of 1,596,468 alleles (0.000063%); highest among the groups gnomAD compares: Non-Finnish European, 0.000085%; no homozygotes.

Submissions (2):

Department of Pathology and Laboratory Medicine, Sinai Health System
Classification: Likely pathogenic for Cone-rod dystrophy 21. Last evaluated: 2022-11-21. Review status: criteria provided, single submitter. Criteria: ACMG Guidelines, 2015. Collection method: research. Allele origin: germline.

Labcorp Genetics (formerly Invitae), Labcorp
Classification: Likely pathogenic. Last evaluated: 2022-02-05. Review status: criteria provided, single submitter. Criteria: Invitae Variant Classification Sherloc (09022015). Collection method: clinical testing. Allele origin: germline.
Comment: In summary, the currently available evidence indicates that the variant is pathogenic, but additional data are needed to prove that conclusively. Therefore, this variant has been classified as Likely Pathogenic. Algorithms developed to predict the effect of sequence changes on RNA splicing suggest that this variant may disrupt the consensus splice site. This variant has not been reported in the literature in individuals affected with DRAM2-related conditions. This variant is present in population databases (rs746500019, gnomAD 0.0009%). This sequence change affects an acceptor splice site in intron 7 of the DRAM2 gene. It is expected to disrupt RNA splicing. Variants that disrupt the donor or acceptor splice site typically lead to a loss of protein function (PMID: 16199547), and loss-of-function variants in DRAM2 are known to be pathogenic (PMID: 25983245).

Literature cited by the submitters: PubMed 16199547 (cited by Labcorp Genetics (formerly Invitae), Labcorp); PubMed 25983245 (cited by Labcorp Genetics (formerly Invitae), Labcorp).